The following is an entry in ClinVar:

NM_000186.4(CFH):c.2295A>T (p.Leu765Phe)

Gene: CFH (complement factor H; plus strand). Cytogenetic location: 1q31.3.
Variant type: single nucleotide variant.
Coding change: c.2295A>T on transcript NM_000186.4 (MANE Select); coding-DNA position 2295, A replaced by T.
Protein change: p.Leu765Phe; replaces leucine 765 with phenylalanine.
Molecular consequence: missense variant.
Genome position (GRCh38, 1-based): chr1:196,728,404, A>T. VCF-style: chr1-196728404-A-T. GRCh37 (hg19) VCF-style: chr1-196697534-A-T.
Other names: p.Leu765Phe; short protein forms L765F.
Identifiers: ClinVar variation 2397646 (VCV002397646.5), dbSNP rs551215138, ClinGen allele CA1305628.
Genomic context (GRCh38, chr1:196,728,404, plus strand): 5'-AGCAATAGATAAACTTAAGAAGTGCAAATCATCAAATTTAATTATACTTGAGGAACATTT[A>T]AAAAACAAGAAGGAATTCGATCATAATTCTAACATAAGGTACAGATGTAGAGGAAAAGAA-3'
Protein context (NP_000177.2, residues 755-775): SSNLIILEEH[Leu765Phe]KNKKEFDHNS

ClinVar aggregate classification (germline): Uncertain significance. Review status: criteria provided, multiple submitters, no conflicts (2 of 4 stars). 3 submissions from 3 submitters: Uncertain significance (3). Last evaluated 2024-07-26.

Conditions:
Inborn genetic diseases. Identifiers: MedGen C0950123, MeSH D030342.
Hemolytic uremic syndrome, atypical, susceptibility to, 1. Also called: AHUS, SUSCEPTIBILITY TO, 1. Identifiers: Orphanet 2134, Orphanet 90038, MedGen C2749604, MONDO:0009335, OMIM 235400. Disease mechanism: Other.
Age related macular degeneration 4. Identifiers: MedGen C1853147, MONDO:0012540, OMIM 610698.
Basal laminar drusen. Also called: DRUSEN OF BRUCH MEMBRANE; DRUSEN, CUTICULAR; DRUSEN, EARLY ADULT-ONSET, GROUPED. Identifiers: Orphanet 75376, MedGen C0730295, MONDO:0007472, OMIM 126700.
Factor H deficiency (CFHD). Also called: COMPLEMENT FACTOR H DEFICIENCY; CFH DEFICIENCY. Identifiers: Orphanet 200421, MedGen C0398777, MONDO:0012350, OMIM 609814.

Allele frequency attached by ClinVar (database versions not stated): ExAC 0.00006; gnomAD 0.00013; 1000 Genomes Project 30x 0.00016; 1000 Genomes Project 0.00020.
gnomAD v4.1: 35 of 1,603,826 alleles (0.0022%); highest among the groups gnomAD compares: African/African-American, 0.04%; no homozygotes.

Submissions (3):

Ambry Genetics
Classification: Uncertain significance for Inborn genetic diseases. Last evaluated: 2024-07-26. Review status: criteria provided, single submitter. Criteria: Ambry Variant Classification Scheme 2023. Collection method: clinical testing. Allele origin: germline.

Fulgent Genetics
Classification: Uncertain significance for Basal laminar drusen; Hemolytic uremic syndrome, atypical, susceptibility to, 1; Factor H deficiency; Age related macular degeneration 4. Last evaluated: 2024-02-07. Review status: criteria provided, single submitter. Criteria: ACMG Guidelines, 2015. Collection method: clinical testing. Allele origin: germline.

Mayo Clinic Laboratories, Mayo Clinic
Classification: Uncertain significance. Last evaluated: 2023-06-13. Review status: criteria provided, single submitter. Criteria: ACMG Guidelines, 2015. Collection method: clinical testing. Allele origin: germline. Observed: 1 variant allele.
Comment: BP4